The following is an entry in ClinVar:

NM_182943.3(PLOD2):c.742T>C (p.Leu248=)

Gene: PLOD2 (procollagen-lysine,2-oxoglutarate 5-dioxygenase 2; minus strand). Cytogenetic location: 3q24.
Variant type: single nucleotide variant.
Coding change: c.742T>C on transcript NM_182943.3 (MANE Select); coding-DNA position 742, T replaced by C.
Protein change: p.Leu248=; no amino-acid change (leucine 248 retained).
Molecular consequence: synonymous variant.
Genome position (GRCh38, 1-based): chr3:146,102,790, A>G on the plus strand (T>C on the coding strand, the complement: PLOD2 is on the minus strand). VCF-style: chr3-146102790-A-G. GRCh37 (hg19) VCF-style: chr3-145820577-A-G.
Other names: c.742T>C, p.Leu248= (NM_000935.3).
Identifiers: ClinVar variation 2654208 (VCV002654208.24), dbSNP rs1937434189, ClinGen allele CA436185788.

ClinVar aggregate classification (germline): Likely benign (1 of 4 stars; one submission).

Submission:

CeGaT Center for Human Genetics Tuebingen
Classification: Likely benign. Last evaluated: 2023-03-01. Review status: criteria provided, single submitter. Criteria: CeGaT Center For Human Genetics Tuebingen Variant Classification Criteria Version 2. Collection method: clinical testing. Allele origin: germline. Affected: yes. Observed: 1 variant allele.
Comment: PLOD2: PM2:Supporting, BP4, BP7